The following is an entry in ClinVar:

ClinVar aggregate classification (germline): Uncertain significance. Review status: criteria provided, multiple submitters, no conflicts (2 of 4 stars). 3 submissions from 3 submitters: Uncertain significance (3). Last evaluated 2025-05-05.

Conditions:
Multiple endocrine neoplasia, type 2 (MEN2). Identifiers: Orphanet 653, MedGen C4048306, MONDO:0019003. Disease mechanism: gain of function.

Submissions (3):

Labcorp Genetics (formerly Invitae), Labcorp
Classification: Uncertain significance for Multiple endocrine neoplasia, type 2. Last evaluated: 2025-05-05. Review status: criteria provided, single submitter. Criteria: Invitae Variant Classification Sherloc (09022015). Collection method: clinical testing. Allele origin: germline.
Comment: This sequence change replaces proline, which is neutral and non-polar, with threonine, which is neutral and polar, at codon 162 of the RET protein (p.Pro162Thr). This variant is not present in population databases (gnomAD no frequency). This variant has not been reported in the literature in individuals affected with RET-related conditions. ClinVar contains an entry for this variant (Variation ID: 842398). An algorithm developed to predict the effect of missense changes on protein structure and function (PolyPhen-2) suggests that this variant is likely to be tolerated. In summary, the available evidence is currently insufficient to determine the role of this variant in disease. Therefore, it has been classified as a Variant of Uncertain Significance.

Quest Diagnostics Nichols Institute San Juan Capistrano
Classification: Uncertain significance. Last evaluated: 2025-04-08. Review status: criteria provided, single submitter. Criteria: Quest Diagnostics criteria. Collection method: clinical testing. Allele origin: unknown.

All of Us Research Program, National Institutes of Health
Classification: Uncertain significance for Multiple endocrine neoplasia, type 2. Last evaluated: 2023-08-15. Review status: criteria provided, single submitter. Criteria: ACMG Guidelines, 2015. Collection method: clinical testing. Allele origin: germline. Inheritance: Autosomal dominant inheritance. Observed: 1 variant allele, 1 heterozygote.
Comment: This missense variant replaces proline with threonine at codon 162 of the RET protein. Computational prediction suggests that this variant may not impact protein structure and function (internally defined REVEL score threshold <= 0.5, PMID: 27666373). To our knowledge, functional studies have not been reported for this variant. This variant has not been reported in individuals affected with RET-related disorders in the literature. This variant has not been identified in the general population by the Genome Aggregation Database (gnomAD). The available evidence is insufficient to determine the role of this variant in disease conclusively. Therefore, this variant is classified as a Variant of Uncertain Significance.

This study involves interpretation of variants in research participants for the purpose of population health screening. Participant phenotype was not available at the time of variant classification. Additional details can be found in publication PMID: 35346344, PMCID: PMC8962531

NM_020975.6(RET):c.484C>A (p.Pro162Thr)

Gene: RET (ret proto-oncogene; plus strand). Cytogenetic location: 10q11.21.
Variant type: single nucleotide variant.
Coding change: c.484C>A on transcript NM_020975.6 (MANE Select); coding-DNA position 484, C replaced by A.
Protein change: p.Pro162Thr; replaces proline 162 with threonine.
Molecular consequence: missense variant.
Genome position (GRCh38, 1-based): chr10:43,102,488, C>A. VCF-style: chr10-43102488-C-A. GRCh37 (hg19) VCF-style: chr10-43597936-C-A.
Other names: c.484C>A, p.Pro162Thr (NM_000323.2, NM_001406743.1, NM_001406744.1 and 16 more transcripts); c.355C>A, p.Pro119Thr (NM_001406761.1, NM_001406762.1, NM_001406764.1 and 4 more transcripts); short protein forms P162T, P119T.
Identifiers: ClinVar variation 842398 (VCV000842398.12), dbSNP rs1564490122, ClinGen allele CA376543206.